The following is an entry in ClinVar:

NM_018052.5(VAC14):c.2306G>A (p.Arg769Gln)

Gene: VAC14 (VAC14 component of PIKFYVE complex; minus strand). Cytogenetic location: 16q22.1.
Variant type: single nucleotide variant.
Coding change: c.2306G>A on transcript NM_018052.5 (MANE Select); coding-DNA position 2306, G replaced by A.
Protein change: p.Arg769Gln; replaces arginine 769 with glutamine.
Molecular consequence: missense variant.
Genome position (GRCh38, 1-based): chr16:70,687,971, C>T on the plus strand (G>A on the coding strand, the complement: VAC14 is on the minus strand). VCF-style: chr16-70687971-C-T. GRCh37 (hg19) VCF-style: chr16-70721874-C-T.
Other names: c.1604G>A, p.Arg535Gln (NM_001351157.2); short protein forms R769Q, R535Q.
Identifiers: ClinVar variation 2148235 (VCV002148235.4), dbSNP rs376731871, ClinGen allele CA8147328.

ClinVar aggregate classification (germline): Uncertain significance (1 of 4 stars; one submission).

Allele frequency attached by ClinVar (database versions not stated): gnomAD 0.00003; TOPMed 0.00004; ESP Exome Variant Server 0.00008.
gnomAD v4.1: 17 of 1,592,754 alleles (0.0011%); highest among the groups gnomAD compares: African/African-American, 0.004%; no homozygotes.

Submission:

Labcorp Genetics (formerly Invitae), Labcorp
Classification: Uncertain significance. Last evaluated: 2024-10-07. Review status: criteria provided, single submitter. Criteria: Invitae Variant Classification Sherloc (09022015). Collection method: clinical testing. Allele origin: germline.
Comment: This sequence change replaces arginine, which is basic and polar, with glutamine, which is neutral and polar, at codon 769 of the VAC14 protein (p.Arg769Gln). This variant is present in population databases (rs376731871, gnomAD 0.006%). This variant has not been reported in the literature in individuals affected with VAC14-related conditions. ClinVar contains an entry for this variant (Variation ID: 2148235). Invitae Evidence Modeling of protein sequence and biophysical properties (such as structural, functional, and spatial information, amino acid conservation, physicochemical variation, residue mobility, and thermodynamic stability) indicates that this missense variant is not expected to disrupt VAC14 protein function with a negative predictive value of 80%. In summary, the available evidence is currently insufficient to determine the role of this variant in disease. Therefore, it has been classified as a Variant of Uncertain Significance.